The following is an entry in ClinVar:

NM_000540.3(RYR1):c.11193+1G>A

Gene: RYR1 (ryanodine receptor 1; plus strand). Cytogenetic location: 19q13.2.
Variant type: single nucleotide variant.
Coding change: c.11193+1G>A on transcript NM_000540.3 (MANE Select); the canonical splice donor site of the intron after coding-DNA position 11193, G replaced by A.
Molecular consequence: splice donor variant.
Genome position (GRCh38, 1-based): chr19:38,532,542, G>A. VCF-style: chr19-38532542-G-A. GRCh37 (hg19) VCF-style: chr19-39023182-G-A.
Other names: c.11178+1G>A (NM_001042723.2).
Identifiers: ClinVar variation 3069521 (VCV003069521.1), dbSNP rs111986316, ClinGen allele CA308084134.

ClinVar aggregate classification (germline): Conflicting classifications of pathogenicity. Review status: criteria provided, conflicting classifications (1 of 4 stars). 2 submissions from 2 submitters: Likely pathogenic (1); Uncertain significance (1). Last evaluated 2023-02-24.

Conditions:
Central core myopathy (CMYO1A). Also called: Central core disease; Myopathy, central fibrillar; CONGENITAL MYOPATHY 1A, AUTOSOMAL DOMINANT, WITH SUSCEPTIBILITY TO MALIGNANT HYPERTHERMIA. Identifiers: Orphanet 597, MedGen C5830701, MONDO:0007294, OMIM 117000.
Malignant hyperthermia, susceptibility to, 1 (MHS1). Also called: RYR1-Related Malignant Hyperthermia Susceptibility; Anesthesia related hyperthermia; Malignant hyperpyrexia; Fulminating hyperpyrexia; Pharmacogenic myopathy; Malignant hyperthermia suceptibility 1. Identifiers: Orphanet 423, MedGen C2930980, MONDO:0007783, OMIM 145600.

Allele frequency attached by ClinVar (database versions not stated): gnomAD exomes below 0.00001.
gnomAD v4.1: 1 of 1,614,168 alleles (0.000062%); highest among the groups gnomAD compares: Non-Finnish European, 0.000085%; no homozygotes.

Submissions (2):

All of Us Research Program, National Institutes of Health
Classification: Uncertain significance for Malignant hyperthermia, susceptibility to, 1. Last evaluated: 2023-02-24. Review status: criteria provided, single submitter. Criteria: ACMG Guidelines, 2015. Collection method: clinical testing. Allele origin: germline. Inheritance: Autosomal dominant inheritance. Observed: 1 variant allele, 1 heterozygote.
Comment: This pathogenicity assessment is for autosomal dominant malignant hyperthermia susceptibility phenotype. This canonical splice site variant is predicted to result in an absent RYR1 protein product. Loss of RYR1 function due to haploinsufficiency is associated with congenital myopathy, but it is not an established disease mechanism for autosomal dominant malignant hyperthermia susceptibility. Therefore, this variant is classified as a Variant of Uncertain Significance for malignant hyperthermia susceptibility.

This study involves interpretation of variants in research participants for the purpose of population health screening. Participant phenotype was not available at the time of variant classification. Additional details can be found in publication PMID: 35346344, PMCID: PMC8962531

Laboratory for Molecular Medicine, Mass General Brigham Personalized Medicine
Classification: Likely pathogenic for Central core myopathy. Last evaluated: 2023-02-02. Review status: criteria provided, single submitter. Criteria: ACMG Guidelines, 2015. Collection method: clinical testing. Allele origin: germline.
Comment: The c.11193+1G>A variant in RYR1 has been reported in an infant with clinical features consistent with RYR1 related myopathies (Schoon 2019 PMID 30872186) and was absent in large population databases. In vitro analysis of respiratory chain (RC) enzymes activity from the patient's muscle tissue indicates the variant impairs RC enzyme activity (Schoon 2019 PMID 30872186). This variant occurs within the canonical splice site (+/- 1,2) and is predicted to cause altered splicing leading to an abnormal or absent protein. Loss of function of the RYR1 gene is an established disease mechanism in autosomal recessive RYR1 related myopathy. In summary, although additional studies are required to fully establish its clinical significance, this variant meets criteria to be classified as likely pathogenic for autosomal recessive RYR1-related myopathy. ACMG/AMP criteria applied: PVS1_Strong, PM2_Supporting.